The following is an entry in ClinVar:

ClinVar aggregate classification (germline): Uncertain significance (1 of 4 stars; one submission).

Conditions:
Intellectual disability. Also called: Intellectual functioning disability; intellectual disabilities; Intellectual developmental disorder. Identifiers: MedGen C3714756, MeSH D008607, MONDO:0001071, HP:0001249.

Allele frequency attached by ClinVar (database versions not stated): gnomAD exomes below 0.00001; TOPMed 0.00001; gnomAD 0.00002; ExAC 0.00002.
gnomAD v4.1: 8 of 1,613,964 alleles (0.0005%); highest among the groups gnomAD compares: Non-Finnish European, 0.00059%; no homozygotes.

Submission:

Labcorp Genetics (formerly Invitae), Labcorp
Classification: Uncertain significance for Intellectual disability. Last evaluated: 2022-06-19. Review status: criteria provided, single submitter. Criteria: Invitae Variant Classification Sherloc (09022015). Collection method: clinical testing. Allele origin: germline.
Comment: In summary, the available evidence is currently insufficient to determine the role of this variant in disease. Therefore, it has been classified as a Variant of Uncertain Significance. Advanced modeling of protein sequence and biophysical properties (such as structural, functional, and spatial information, amino acid conservation, physicochemical variation, residue mobility, and thermodynamic stability) performed at Invitae indicates that this missense variant is not expected to disrupt GABRB2 protein function. This variant has not been reported in the literature in individuals affected with GABRB2-related conditions. This variant is present in population databases (rs778847152, gnomAD 0.002%). This sequence change replaces threonine, which is neutral and polar, with alanine, which is neutral and non-polar, at codon 417 of the GABRB2 protein (p.Thr417Ala).

NM_001371727.1(GABRB2):c.1249A>G (p.Thr417Ala)

Gene: GABRB2 (gamma-aminobutyric acid type A receptor subunit beta2; minus strand). Cytogenetic location: 5q34.
Variant type: single nucleotide variant.
Coding change: c.1249A>G on transcript NM_001371727.1 (MANE Select); coding-DNA position 1249, A replaced by G.
Protein change: p.Thr417Ala; replaces threonine 417 with alanine.
Molecular consequence: missense variant.
Genome position (GRCh38, 1-based): chr5:161,294,371, T>C on the plus strand (A>G on the coding strand, the complement: GABRB2 is on the minus strand). VCF-style: chr5-161294371-T-C. GRCh37 (hg19) VCF-style: chr5-160721378-T-C.
Other names: c.1135A>G, p.Thr379Ala (NM_000813.3); c.1249A>G, p.Thr417Ala (NM_021911.3); short protein forms T379A, T417A.
Identifiers: ClinVar variation 1959936 (VCV001959936.5), dbSNP rs778847152, ClinGen allele CA3543356.